The following is an entry in ClinVar:

NM_017644.3(KLHL24):c.920+2749C>G

Gene: KLHL24 (kelch like family member 24; plus strand). Cytogenetic location: 3q27.1.
Variant type: single nucleotide variant.
Coding change: c.920+2749C>G on transcript NM_017644.3 (MANE Select); 2749 bases into the intron after coding-DNA position 920, C replaced by G.
Molecular consequence: intron variant. On other transcripts: missense variant (2).
Genome position (GRCh38, 1-based): chr3:183,654,025, C>G. VCF-style: chr3-183654025-C-G. GRCh37 (hg19) VCF-style: chr3-183371813-C-G.
Other names: c.13C>G, p.Leu5Val (NM_001349428.1, NM_001349429.1); c.920+2749C>G (NM_001349418.1, NM_001349424.1, NM_001349413.1 and 11 more transcripts); short protein forms L5V.
Identifiers: ClinVar variation 4981760 (VCV004981760.1).

ClinVar aggregate classification (germline): Uncertain significance (1 of 4 stars; one submission).

Conditions:
KLHL24-related disorder. Also called: KLHL24-related condition.

gnomAD v4.1: 35 of 152,338 alleles (0.023%); highest among the groups gnomAD compares: South Asian, 0.7%; 1 homozygote.

Submission:

PreventionGenetics, part of Exact Sciences
Classification: Uncertain significance for KLHL24-related condition. Last evaluated: 2025-12-14. Review status: criteria provided, single submitter. Criteria: ACMG Guidelines, 2015. Collection method: clinical testing. Allele origin: germline.
Comment: The KLHL24 c.13C>G variant is predicted to result in the amino acid substitution p.Leu5Val. In the primary transcript listed in the Human Gene Mutation Database (HGMD, NM_017644) this variant is deep intronic (c.920+2749C>G). To our knowledge, this variant has not been reported in the literature or in a large population database (gnomAD), indicating this variant is rare. At this time, the clinical significance of this variant is uncertain due to the absence of conclusive functional and genetic evidence.